The following is an entry in ClinVar:

NR_003051.4(RMRP):n.148G>T

Gene: RMRP (RNA component of mitochondrial RNA processing endoribonuclease; minus strand). Cytogenetic location: 9p13.3.
Variant type: single nucleotide variant.
Genome position: GRCh38 VCF-style: chr9-35657872-C-A. GRCh37 (hg19) VCF-style: chr9-35657869-C-A.
Identifiers: ClinVar variation 933564 (VCV000933564.8), dbSNP rs753874439, ClinGen allele CA464450700.

ClinVar aggregate classification (germline): Uncertain significance. Review status: criteria provided, single submitter (1 of 4 stars). 2 submissions from 2 submitters: Uncertain significance (1). 1 of the submissions does not count toward it. Last evaluated 2021-08-28.

Conditions:
Anauxetic dysplasia. Identifiers: Orphanet 93347, MedGen C1846796, MONDO:0011773.
Metaphyseal chondrodysplasia, McKusick type (CHH). Also called: Cartilage-hair hypoplasia; Cartilage-Hair Hypoplasia (CHH). Identifiers: Orphanet 175, MedGen C0220748, MONDO:0009595, OMIM 250250.

Allele frequency attached by ClinVar (database versions not stated): TOPMed 0.00002.

Submissions (2):

Labcorp Genetics (formerly Invitae), Labcorp
Classification: Uncertain significance for Anauxetic dysplasia. Last evaluated: 2021-08-28. Review status: criteria provided, single submitter. Criteria: Invitae Variant Classification Sherloc (09022015). Collection method: clinical testing. Allele origin: germline.
Comment: This variant occurs in the RMRP gene, which encodes an RNA molecule that does not result in a protein product. The frequency data for this variant in the population databases is considered unreliable, as metrics indicate insufficient coverage at this position in the ExAC database. This variant has been observed in individual(s) with cartilage-hair hypoplasia (Invitae). ClinVar contains an entry for this variant (Variation ID: 933564). Experimental studies and prediction algorithms are not available or were not evaluated, and the functional significance of this variant is currently unknown. This variant disrupts the n.147 nucleotide in the RMRP gene. Other variant(s) that disrupt this nucleotide have been determined to be pathogenic (PMID: 12107819, 16244706, 17701897, 18804272). This suggests that this nucleotide is clinically significant, and that variants that disrupt this position are likely to be disease-causing. In summary, the available evidence is currently insufficient to determine the role of this variant in disease. Therefore, it has been classified as a Variant of Uncertain Significance.

Natera, Inc.
Classification: Uncertain significance for Cartilage-hair hypoplasia. Last evaluated: 2021-06-17. Review status: no assertion criteria provided. Collection method: clinical testing. Allele origin: germline. Not counted in ClinVar's aggregate classification.

Literature cited by the submitters: PubMed 12107819 (cited by Labcorp Genetics (formerly Invitae), Labcorp); PubMed 16244706 (cited by Labcorp Genetics (formerly Invitae), Labcorp); PubMed 17701897 (cited by Labcorp Genetics (formerly Invitae), Labcorp); PubMed 18804272 (cited by Labcorp Genetics (formerly Invitae), Labcorp).